The following is an entry in ClinVar:

NM_001242896.3(DEPDC5):c.1912C>T (p.Gln638Ter)

Gene: DEPDC5 (DEP domain containing 5, GATOR1 subcomplex subunit; plus strand). Cytogenetic location: 22q12.3.
Variant type: single nucleotide variant.
Coding change: c.1912C>T on transcript NM_001242896.3 (MANE Select); coding-DNA position 1912, C replaced by T.
Protein change: p.Gln638Ter; replaces glutamine 638 with a stop codon.
Molecular consequence: nonsense. On other transcripts: non-coding transcript variant (4), intron variant (3).
Genome position (GRCh38, 1-based): chr22:31,821,543, C>T. VCF-style: chr22-31821543-C-T. GRCh37 (hg19) VCF-style: chr22-32217529-C-T.
Other names: c.1828C>T, p.Gln610Ter (NM_001369901.1, NM_001369902.1); c.1912C>T, p.Gln638Ter (NM_001369903.1, NM_014662.6, NM_001136029.4 and 3 more transcripts); c.1870+2318C>T (NM_001363854.2, NM_001242897.2, NM_001364319.2); short protein forms Q610*, Q638*.
Identifiers: ClinVar variation 3067634 (VCV003067634.21), dbSNP rs750163692, ClinGen allele CA411281838.

ClinVar aggregate classification (germline): Pathogenic (1 of 4 stars; one submission).

Submission:

CeGaT Center for Human Genetics Tuebingen
Classification: Pathogenic. Last evaluated: 2024-03-01. Review status: criteria provided, single submitter. Criteria: CeGaT Center For Human Genetics Tuebingen Variant Classification Criteria Version 2. Collection method: clinical testing. Allele origin: germline. Affected: yes. Observed: 1 variant allele.
Comment: DEPDC5: PVS1, PM2